The following is an entry in ClinVar:

ClinVar aggregate classification (germline): Uncertain significance (1 of 4 stars; one submission).

Submission:

Women's Health and Genetics/Laboratory Corporation of America, LabCorp
Classification: Uncertain significance. Last evaluated: 2026-03-12. Review status: criteria provided, single submitter. Criteria: LabCorp Variant Classification Summary - May 2015. Collection method: clinical testing. Allele origin: germline.
Comment: Variant summary: The variant involves the deletion of exons 10-11 in the HNRNPA1 gene. A presumed nomenclature of c.(1063+1_1064-1)_(*2545_?)del has been designated for the purposes of this classification. The exact breakpoint at the distal 3' end of this variant is unknown, therefore this deletion may extend downstream of the annotated region of the gene. As it encompasses the termination codon, it is predicted to escape nonsense mediated decay (NMD). Current evidence is not sufficient to establish loss of function as a mechanism for disease. The variant was absent in 21692 control chromosomes. The available data on variant occurrences in the general population are insufficient to allow any conclusion about variant significance. To our knowledge, no occurrence of c.(1063+1_1064-1)_(*2545_?)del in individuals affected with HNRNPA1-related conditions and no experimental evidence demonstrating its impact on protein function have been reported. Although other variants which disrupt the C-terminus of the protein have been reported in affected individuals (PMIDs: 34291734, 34722876), whether the deletion of exons 10-11 would result in a similar clinical/functional outcome is unclear. No submitters have cited clinical-significance assessments for this variant to ClinVar. Based on the evidence outlined above, the variant was classified as uncertain significance.

NC_000012.11:g.(54677752_54678041)_(54680872_?)del

Gene: HNRNPA1 (heterogeneous nuclear ribonucleoprotein A1; plus strand). Cytogenetic location: 12q13.13.
Variant type: Deletion.
Identifiers: ClinVar variation 4847300 (VCV004847300.1).